The following is an entry in ClinVar:

NM_003579.4(RAD54L):c.333C>A (p.Asp111Glu)

Gene: RAD54L (RAD54 like; plus strand). Cytogenetic location: 1p34.1.
Variant type: single nucleotide variant.
Coding change: c.333C>A on transcript NM_003579.4 (MANE Select); coding-DNA position 333, C replaced by A.
Protein change: p.Asp111Glu; replaces aspartic acid 111 with glutamic acid.
Molecular consequence: missense variant. On other transcripts: 5 prime UTR variant (1).
Genome position (GRCh38, 1-based): chr1:46,260,025, C>A. VCF-style: chr1-46260025-C-A. GRCh37 (hg19) VCF-style: chr1-46725697-C-A.
Other names: c.333C>A, p.Asp111Glu (NM_001142548.2); c.-208C>A (NM_001370766.1); short protein forms D111E.
Identifiers: ClinVar variation 1730383 (VCV001730383.2), dbSNP rs568648242, ClinGen allele CA834217.

ClinVar aggregate classification (germline): Uncertain significance (1 of 4 stars; one submission).

Allele frequency attached by ClinVar (database versions not stated): gnomAD 0.00001; ExAC 0.00002; TOPMed 0.00002; 1000 Genomes Project 30x 0.00031; 1000 Genomes Project 0.00040.
gnomAD v4.1: 8 of 1,614,114 alleles (0.0005%); highest among the groups gnomAD compares: African/African-American, 0.0093%; no homozygotes.

Submission:

Ambry Genetics
Classification: Uncertain significance. Last evaluated: 2024-03-16. Review status: criteria provided, single submitter. Criteria: Ambry Variant Classification Scheme 2023. Collection method: clinical testing. Allele origin: germline.
Comment: The p.D111E variant (also known as c.333C>A), located in coding exon 5 of the RAD54L gene, results from a C to A substitution at nucleotide position 333. The aspartic acid at codon 111 is replaced by glutamic acid, an amino acid with highly similar properties. This amino acid position is conserved. In addition, the in silico prediction for this alteration is inconclusive. Since supporting evidence is limited at this time, the clinical significance of this alteration remains unclear.